The following is an entry in ClinVar:

ClinVar aggregate classification (germline): Uncertain significance (1 of 4 stars; one submission).

Submission:

Ambry Genetics
Classification: Uncertain significance. Last evaluated: 2025-05-15. Review status: criteria provided, single submitter. Criteria: Ambry Variant Classification Scheme 2023. Collection method: clinical testing. Allele origin: germline.
Comment: The p.W1435S variant (also known as c.4304G>C), located in coding exon 39 of the KIF1B gene, results from a G to C substitution at nucleotide position 4304. The tryptophan at codon 1435 is replaced by serine, an amino acid with highly dissimilar properties. This amino acid position is conserved. In addition, this alteration is predicted to be deleterious by in silico analysis. Based on the available evidence, the clinical significance of this variant remains unclear.

NM_001365951.3(KIF1B):c.4442G>C (p.Trp1481Ser)

Gene: KIF1B (kinesin family member 1B; plus strand). Cytogenetic location: 1p36.22.
Variant type: single nucleotide variant.
Coding change: c.4442G>C on transcript NM_001365951.3 (MANE Select); coding-DNA position 4442, G replaced by C.
Protein change: p.Trp1481Ser; replaces tryptophan 1481 with serine.
Molecular consequence: missense variant.
Genome position (GRCh38, 1-based): chr1:10,365,175, G>C. VCF-style: chr1-10365175-G-C. GRCh37 (hg19) VCF-style: chr1-10425233-G-C.
Other names: c.4442G>C, p.Trp1481Ser (NM_001365952.1); c.4304G>C, p.Trp1435Ser (NM_015074.3); short protein forms W1481S, W1435S.
Identifiers: ClinVar variation 4043131 (VCV004043131.1).